The following is an entry in ClinVar:

NM_022124.6(CDH23):c.5147A>C (p.Gln1716Pro)

Gene: CDH23 (cadherin related 23; plus strand). Cytogenetic location: 10q22.1.
Variant type: single nucleotide variant.
Coding change: c.5147A>C on transcript NM_022124.6 (MANE Select); coding-DNA position 5147, A replaced by C.
Protein change: p.Gln1716Pro; replaces glutamine 1716 with proline.
Molecular consequence: missense variant.
Genome position (GRCh38, 1-based): chr10:71,778,268, A>C. VCF-style: chr10-71778268-A-C. GRCh37 (hg19) VCF-style: chr10-73538025-A-C.
Other names: short protein forms Q1716P.
Identifiers: ClinVar variation 446445 (VCV000446445.3), dbSNP rs758382198, ClinGen allele CA377141156.

ClinVar aggregate classification (germline): Pathogenic. Review status: criteria provided, multiple submitters, no conflicts (2 of 4 stars). 3 submissions from 3 submitters: Pathogenic (3). Last evaluated 2025-07-29.

Conditions:
Pituitary adenoma 5, multiple types. Identifiers: MedGen C4539685, MONDO:0054601, OMIM 617540.
Usher syndrome type 1 (USH1). Also called: RETINITIS PIGMENTOSA AND CONGENITAL DEAFNESS. Identifiers: Orphanet 231169, Orphanet 886, MedGen C1568247, MONDO:0010168, OMIM 276900.
Autosomal recessive nonsyndromic hearing loss 12. Also called: DEAFNESS, AUTOSOMAL RECESSIVE 12. Identifiers: Orphanet 90636, MedGen C1832394, MONDO:0011067, OMIM 601386.

gnomAD v4.1: 1 of 1,613,886 alleles (0.000062%); highest among the groups gnomAD compares: East Asian, 0.0022%; no homozygotes.

Submissions (3):

Natera, Inc.
Classification: Pathogenic for Usher syndrome type 1. Last evaluated: 2025-07-29. Review status: criteria provided, single submitter. Criteria: Natera Variant Classification Schema (03/2026). Collection method: clinical testing. Allele origin: germline.
Comment: The c.5147A>C variant in CDH23 is a missense variant predicted to cause substitution of glutamine to proline at amino acid 1716. This variant is rare in the general population with a frequency below the threshold expected for the associated phenotype(s). This variant has been observed in one or more individuals affected with the associated recessive disease, as either homozygous or compound heterozygous with a second variant (PMID: 22899989, 25963016, 35020051). Computational prediction algorithms indicate this variant is likely to affect gene or protein function. Given the available evidence, this variant is classified as Pathogenic.

Baylor Genetics
Classification: Pathogenic for Pituitary adenoma 5, multiple types. Last evaluated: 2023-03-04. Review status: criteria provided, single submitter. Criteria: ACMG Guidelines, 2015. Collection method: clinical testing. Allele origin: unknown.

Division of Hearing and Balance Research, National Hospital Organization Tokyo Medical Center
Classification: Pathogenic for Autosomal recessive nonsyndromic hearing loss 12. Last evaluated: 2017-07-01. Review status: criteria provided, single submitter. Criteria: Submitter's publication. Collection method: clinical testing. Allele origin: germline. Affected: yes. Observed: 2 variant alleles.

Literature cited by the submitters: PubMed 22899989 (cited by Natera, Inc.); PubMed 25963016 (cited by Natera, Inc.); PubMed 35020051 (cited by Natera, Inc.).